The following is an entry in ClinVar:

ClinVar aggregate classification (germline): Uncertain significance (1 of 4 stars; one submission).

Conditions:
Desmin-related myofibrillar myopathy (MFM1). Also called: Myofibrillar myopathy 1; Desminopathy; Desmin related myopathy (former name); Desmin storage myopathy (former name); MYOFIBRILLAR MYOPATHY WITH ARRHYTHMOGENIC RIGHT VENTRICULAR CARDIOMYOPATHY; DESMIN-RELATED MYOPATHY WITH ARRHYTHMOGENIC RIGHT VENTRICULAR CARDIOMYOPATHY. Identifiers: Orphanet 363543, Orphanet 98909, MedGen C1832370, MONDO:0011076, OMIM 601419.

Allele frequency attached by ClinVar (database versions not stated): TOPMed below 0.00001.

Submission:

Labcorp Genetics (formerly Invitae), Labcorp
Classification: Uncertain significance for Desmin-related myofibrillar myopathy. Last evaluated: 2021-10-15. Review status: criteria provided, single submitter. Criteria: Invitae Variant Classification Sherloc (09022015). Collection method: clinical testing. Allele origin: germline.
Comment: In summary, the available evidence is currently insufficient to determine the role of this variant in disease. Therefore, it has been classified as a Variant of Uncertain Significance. Algorithms developed to predict the effect of missense changes on protein structure and function are either unavailable or do not agree on the potential impact of this missense change (SIFT: "Tolerated"; PolyPhen-2: "Benign"; Align-GVGD: "Class C0"). ClinVar contains an entry for this variant (Variation ID: 239074). This variant has not been reported in the literature in individuals affected with DES-related conditions. This variant is not present in population databases (ExAC no frequency). This sequence change replaces glycine with aspartic acid at codon 437 of the DES protein (p.Gly437Asp). The glycine residue is moderately conserved and there is a moderate physicochemical difference between glycine and aspartic acid.

NM_001927.4(DES):c.1310G>A (p.Gly437Asp)

Gene: DES (desmin; plus strand). Cytogenetic location: 2q35.
Variant type: single nucleotide variant.
Coding change: c.1310G>A on transcript NM_001927.4 (MANE Select); coding-DNA position 1310, G replaced by A.
Protein change: p.Gly437Asp; replaces glycine 437 with aspartic acid.
Molecular consequence: missense variant.
Genome position (GRCh38, 1-based): chr2:219,425,684, G>A. VCF-style: chr2-219425684-G-A. GRCh37 (hg19) VCF-style: chr2-220290406-G-A.
Other names: c.1310G>A (LRG_380t1); short protein forms G437D.
Identifiers: ClinVar variation 239074 (VCV000239074.9), dbSNP rs878854471, ClinGen allele CA10581952.
Genomic context (GRCh38, chr2:219,425,684, plus strand): 5'-GACTTGGTCAGGCTGAGTGTGCGATGGACCCTGTTACAGAAACCAGCCCTGAGCAAAGGG[G>A]TTCTGAGGTCCATACCAAGAAGACGGTGATGATCAAGACCATCGAGACACGGGATGGGGA-3'
Protein context (NP_001918.3, residues 427-447): NFRETSPEQR[Gly437Asp]SEVHTKKTVM